The following is an entry in ClinVar:

NM_004006.3(DMD):c.8755A>T (p.Asn2919Tyr)

Gene: DMD (dystrophin; minus strand). Cytogenetic location: Xp21.2.
Variant type: single nucleotide variant.
Coding change: c.8755A>T on transcript NM_004006.3 (MANE Select); coding-DNA position 8755, A replaced by T.
Protein change: p.Asn2919Tyr; replaces asparagine 2919 with tyrosine.
Molecular consequence: missense variant.
Genome position (GRCh38, 1-based): chrX:31,478,288, T>A on the plus strand (A>T on the coding strand, the complement: DMD is on the minus strand). VCF-style: chrX-31478288-T-A. GRCh37 (hg19) VCF-style: chrX-31496405-T-A.
Other names: c.8731A>T, p.Asn2911Tyr (NM_000109.4); c.8743A>T, p.Asn2915Tyr (NM_004009.3); c.8386A>T, p.Asn2796Tyr (NM_004010.3); c.4732A>T, p.Asn1578Tyr (NM_004011.4); c.4723A>T, p.Asn1575Tyr (NM_004012.4); c.1375A>T, p.Asn459Tyr (NM_004013.3, NM_004020.4, NM_004021.3 and 2 more transcripts); c.568A>T, p.Asn190Tyr (NM_004014.3); short protein forms N2796Y, N2915Y, N2919Y, N190Y, N459Y, N1575Y, N1578Y, N2911Y.
Identifiers: ClinVar variation 649597 (VCV000649597.10), dbSNP rs1603222841, ClinGen allele CA412654229.

ClinVar aggregate classification (germline): Uncertain significance. Review status: criteria provided, single submitter (1 of 4 stars). 2 submissions from 2 submitters: Uncertain significance (1). 1 of the submissions does not count toward it. Last evaluated 2023-12-06.

Conditions:
Cardiomyopathy (CMYO). Also called: Cardiomyopathies. Identifiers: Orphanet 167848, MedGen C0878544, MONDO:0004994, HP:0001638. Inheritance: Various modes of inheritance.
Duchenne muscular dystrophy (DMD). Also called: MUSCULAR DYSTROPHY, PSEUDOHYPERTROPHIC PROGRESSIVE, DUCHENNE TYPE; Duchenne Muscular Dystrophy (DMD). Identifiers: Orphanet 98896, MedGen C0013264, MONDO:0010679, OMIM 310200.
Becker muscular dystrophy (BMD). Also called: MUSCULAR DYSTROPHY, PSEUDOHYPERTROPHIC PROGRESSIVE, BECKER TYPE; Becker Muscular Dystrophy (BMD). Identifiers: Orphanet 98895, MedGen C0917713, MONDO:0010311, OMIM 300376.
Dystrophin deficiency.

Submissions (2):

Labcorp Genetics (formerly Invitae), Labcorp
Classification: Uncertain significance for Duchenne muscular dystrophy. Last evaluated: 2023-12-06. Review status: criteria provided, single submitter. Criteria: Invitae Variant Classification Sherloc (09022015). Collection method: clinical testing. Allele origin: germline.
Comment: This sequence change replaces asparagine, which is neutral and polar, with tyrosine, which is neutral and polar, at codon 2919 of the DMD protein (p.Asn2919Tyr). This variant is not present in population databases (gnomAD no frequency). This variant has not been reported in the literature in individuals affected with DMD-related conditions. ClinVar contains an entry for this variant (Variation ID: 649597). Advanced modeling of protein sequence and biophysical properties (such as structural, functional, and spatial information, amino acid conservation, physicochemical variation, residue mobility, and thermodynamic stability) performed at Invitae indicates that this missense variant is not expected to disrupt DMD protein function with a negative predictive value of 95%. In summary, the available evidence is currently insufficient to determine the role of this variant in disease. Therefore, it has been classified as a Variant of Uncertain Significance.

Natera, Inc.
Classification: Uncertain significance for Becker muscular dystrophy; Cardiomyopathy; Duchenne muscular dystrophy; Dystrophin deficiency. Last evaluated: 2019-05-28. Review status: no assertion criteria provided. Collection method: clinical testing. Allele origin: germline. Not counted in ClinVar's aggregate classification.